The following is an entry in ClinVar:

NM_000152.5(GAA):c.2064C>A (p.Ser688Arg)

Gene: GAA (alpha glucosidase; plus strand). Cytogenetic location: 17q25.3.
Variant type: single nucleotide variant.
Coding change: c.2064C>A on transcript NM_000152.5 (MANE Select); coding-DNA position 2064, C replaced by A.
Protein change: p.Ser688Arg; replaces serine 688 with arginine.
Molecular consequence: missense variant.
Genome position (GRCh38, 1-based): chr17:80,113,241, C>A. VCF-style: chr17-80113241-C-A. GRCh37 (hg19) VCF-style: chr17-78087040-C-A.
Other names: c.2064C>A, p.Ser688Arg (NM_001079803.3, NM_001079804.3, NM_001406741.1 and 1 more transcripts); short protein forms S688R.
Identifiers: ClinVar variation 2138957 (VCV002138957.2), dbSNP rs140996643, ClinGen allele CA8815603.

ClinVar aggregate classification (germline): Uncertain significance. Review status: criteria provided, multiple submitters, no conflicts (2 of 4 stars). 2 submissions from 2 submitters: Uncertain significance (2). Last evaluated 2024-03-04.

Conditions:
Glycogen storage disease, type II (IOPD). Also called: GLYCOGENOSIS, GENERALIZED, CARDIAC FORM; GSD II; CARDIOMEGALIA GLYCOGENICA DIFFUSA; Glycogen storage disease type 2; Acid maltase deficiency disease; Aglucosidase alfa. Identifiers: Orphanet 365, MedGen C0017921, MONDO:0009290, OMIM 232300.
Cardiovascular phenotype. Identifiers: MedGen CN230736.

gnomAD v4.1: 9 of 1,600,990 alleles (0.00056%); highest among the groups gnomAD compares: Non-Finnish European, 0.00068%; no homozygotes.

Submissions (2):

Ambry Genetics
Classification: Uncertain significance for Cardiovascular phenotype. Last evaluated: 2024-03-04. Review status: criteria provided, single submitter. Criteria: Ambry Variant Classification Scheme 2023. Collection method: clinical testing. Allele origin: germline.
Comment: The p.S688R variant (also known as c.2064C>A), located in coding exon 14 of the GAA gene, results from a C to A substitution at nucleotide position 2064. The serine at codon 688 is replaced by arginine, an amino acid with dissimilar properties. This amino acid position is conserved. In addition, the in silico prediction for this alteration is inconclusive. Based on the available evidence, the clinical significance of this alteration remains unclear.

Labcorp Genetics (formerly Invitae), Labcorp
Classification: Uncertain significance for Glycogen storage disease, type II. Last evaluated: 2022-05-21. Review status: criteria provided, single submitter. Criteria: Invitae Variant Classification Sherloc (09022015). Collection method: clinical testing. Allele origin: germline.
Comment: This sequence change replaces serine, which is neutral and polar, with arginine, which is basic and polar, at codon 688 of the GAA protein (p.Ser688Arg). The frequency data for this variant in the population databases is considered unreliable, as metrics indicate poor data quality at this position in the gnomAD database. This variant has not been reported in the literature in individuals affected with GAA-related conditions. Advanced modeling of protein sequence and biophysical properties (such as structural, functional, and spatial information, amino acid conservation, physicochemical variation, residue mobility, and thermodynamic stability) performed at Invitae indicates that this missense variant is expected to disrupt GAA protein function. In summary, the available evidence is currently insufficient to determine the role of this variant in disease. Therefore, it has been classified as a Variant of Uncertain Significance.